The following is an entry in ClinVar:

ClinVar aggregate classification (germline): Uncertain significance (1 of 4 stars; one submission).

gnomAD v4.1: 34 of 1,605,270 alleles (0.0021%); highest among the groups gnomAD compares: Non-Finnish European, 0.0028%; no homozygotes.

Submission:

Women's Health and Genetics/Laboratory Corporation of America, LabCorp
Classification: Uncertain significance. Last evaluated: 2026-02-03. Review status: criteria provided, single submitter. Criteria: LabCorp Variant Classification Summary - May 2015. Collection method: clinical testing. Allele origin: germline.
Comment: Variant summary: COL1A1 c.-16T>G is located in the untranslated mRNA region upstream of the initiation codon. The variant allele was found at a frequency of 2.1e-05 in 242602 control chromosomes. The available data on variant occurrences in the general population are insufficient to allow any conclusion about variant significance. To our knowledge, no occurrence of c.-16T>G in individuals affected with COL1A1-related conditions and no experimental evidence demonstrating its impact on protein function have been reported. No submitters have cited clinical-significance assessments for this variant to ClinVar. Based on the evidence outlined above, the variant was classified as uncertain significance.

NM_000088.4(COL1A1):c.-16T>G

Gene: COL1A1 (collagen type I alpha 1 chain; minus strand). Cytogenetic location: 17q21.33.
Variant type: single nucleotide variant.
Coding change: c.-16T>G on transcript NM_000088.4 (MANE Select); 16 bases upstream of the start codon, T replaced by G.
Molecular consequence: 5 prime UTR variant.
Genome position (GRCh38, 1-based): chr17:50,201,529, A>C on the plus strand (T>G on the coding strand, the complement: COL1A1 is on the minus strand). VCF-style: chr17-50201529-A-C. GRCh37 (hg19) VCF-style: chr17-48278890-A-C.
Identifiers: ClinVar variation 4848094 (VCV004848094.1).
Genomic context (GRCh38, chr17:50,201,529, plus strand): 5'-GGCCGCTAAGAGGAGCAGGAGCCGGAGGTCCACAAAGCTGAACATGTCTAGACCCTAGAC[A>C]TGTAGACTCTTTGTGGCTGGGGAGGGGGTTAGCGTCCGCTCATGCGTGGCCTCACACTCC-3'